The following is an entry in ClinVar:

ClinVar aggregate classification (germline): Likely pathogenic (1 of 4 stars; one submission).

Conditions:
Cutis laxa, X-linked (OHS). Also called: EDS IX; Occipital horn syndrome. Identifiers: Orphanet 198, MedGen C0268353, MONDO:0010572, OMIM 304150.
X-linked distal spinal muscular atrophy type 3. Also called: ATP7A-Related Distal Motor Neuropathy; SPINAL MUSCULAR ATROPHY, DISTAL, X-LINKED RECESSIVE; NEURONOPATHY, DISTAL HEREDITARY MOTOR, X-LINKED; NEUROPATHY, DISTAL HEREDITARY MOTOR, X-LINKED. Identifiers: Orphanet 139557, MedGen C1845359, MONDO:0010338, OMIM 300489.
Menkes kinky-hair syndrome (MNK). Also called: Classic Menkes Disease; Copper transport disease; Menkes Disease. Identifiers: Orphanet 565, MedGen C0022716, MONDO:0010651, OMIM 309400.

Submission:

Labcorp Genetics (formerly Invitae), Labcorp
Classification: Likely pathogenic for X-linked distal spinal muscular atrophy type 3; Cutis laxa, X-linked; Menkes kinky-hair syndrome. Last evaluated: 2022-12-04. Review status: criteria provided, single submitter. Criteria: Invitae Variant Classification Sherloc (09022015). Collection method: clinical testing. Allele origin: germline.
Comment: This sequence change affects a donor splice site in intron 11 of the ATP7A gene. It is expected to disrupt RNA splicing. Variants that disrupt the donor or acceptor splice site typically lead to a loss of protein function (PMID: 16199547), and loss-of-function variants in ATP7A are known to be pathogenic (PMID: 11241493, 20652413). In summary, the currently available evidence indicates that the variant is pathogenic, but additional data are needed to prove that conclusively. Therefore, this variant has been classified as Likely Pathogenic. Algorithms developed to predict the effect of sequence changes on RNA splicing suggest that this variant may disrupt the consensus splice site. ClinVar contains an entry for this variant (Variation ID: 1496499). Disruption of this splice site has been observed in individual(s) with Menkes disease (PMID: 21494555). This variant is not present in population databases (gnomAD no frequency).

Literature cited by the submitters: PubMed 16199547; PubMed 11241493; PubMed 20652413; PubMed 21494555.

NM_000052.7(ATP7A):c.2498+2T>G

Gene: ATP7A (ATPase copper transporting alpha; plus strand). Cytogenetic location: Xq21.1.
Variant type: single nucleotide variant.
Coding change: c.2498+2T>G on transcript NM_000052.7 (MANE Select); the canonical splice donor site of the intron after coding-DNA position 2498, T replaced by G.
Molecular consequence: splice donor variant.
Genome position (GRCh38, 1-based): chrX:78,014,755, T>G. VCF-style: chrX-78014755-T-G. GRCh37 (hg19) VCF-style: chrX-77270252-T-G.
Other names: c.2264+2T>G (NM_001282224.2).
Identifiers: ClinVar variation 1496499 (VCV001496499.6), dbSNP rs797045357, ClinGen allele CA413600163.